The following is an entry in ClinVar:

ClinVar aggregate classification (germline): Likely benign (1 of 4 stars; one submission).

Submission:

GeneDx
Classification: Likely benign. Last evaluated: 2013-10-21. Review status: criteria provided, single submitter. Criteria: GeneDx Variant Classification (06012015). Collection method: clinical testing. Allele origin: germline. Affected: yes.
Comment: This variant is considered likely benign or benign based on one or more of the following criteria: it is a conservative change, it occurs at a poorly conserved position in the protein, it is predicted to be benign by multiple in silico algorithms, and/or has population frequency not consistent with disease.

NM_001136193.2(FASTKD2):c.261T>A (p.Asp87Glu)

Gene: FASTKD2 (FAST kinase domains 2; plus strand). Cytogenetic location: 2q33.3.
Variant type: single nucleotide variant.
Coding change: c.261T>A on transcript NM_001136193.2 (MANE Select); coding-DNA position 261, T replaced by A.
Protein change: p.Asp87Glu; replaces aspartic acid 87 with glutamic acid.
Molecular consequence: missense variant.
Genome position (GRCh38, 1-based): chr2:206,766,954, T>A. VCF-style: chr2-206766954-T-A. GRCh37 (hg19) VCF-style: chr2-207631678-T-A.
Other names: p.D87E:GAT>GAA; c.261T>A, p.Asp87Glu (NM_001136194.2, NM_014929.4); short protein forms D87E.
Identifiers: ClinVar variation 214343 (VCV000214343.1), dbSNP rs863223961, ClinGen allele CA323871.